The following is an entry in ClinVar:

NM_052947.4(ALPK2):c.4030G>C (p.Asp1344His)

Genes: ALPK2 (alpha kinase 2; minus strand), LOC126862764 (BRD4-independent group 4 enhancer GRCh37_chr18:56202574-56203773; plus strand). Cytogenetic location: 18q21.31.
Variant type: single nucleotide variant.
Coding change: c.4030G>C on transcript NM_052947.4 (MANE Select); coding-DNA position 4030, G replaced by C.
Protein change: p.Asp1344His; replaces aspartic acid 1344 with histidine.
Molecular consequence: missense variant.
Genome position (GRCh38, 1-based): chr18:58,536,157, C>G on the plus strand (G>C on the coding strand, the complement: ALPK2 is on the minus strand). VCF-style: chr18-58536157-C-G. GRCh37 (hg19) VCF-style: chr18-56203389-C-G.
Other names: short protein forms D1344H.
Identifiers: ClinVar variation 1737207 (VCV001737207.3), dbSNP rs1399816634, ClinGen allele CA402564695.

ClinVar aggregate classification (germline): Uncertain significance (1 of 4 stars; one submission).

Allele frequency attached by ClinVar (database versions not stated): gnomAD exomes below 0.00001; gnomAD 0.00001; TOPMed 0.00001.
gnomAD v4.1: 4 of 1,614,034 alleles (0.00025%); highest among the groups gnomAD compares: Non-Finnish European, 0.00034%; no homozygotes.

Submission:

Ambry Genetics
Classification: Uncertain significance. Last evaluated: 2024-09-15. Review status: criteria provided, single submitter. Criteria: Ambry Variant Classification Scheme 2023. Collection method: clinical testing. Allele origin: germline.
Comment: The p.D1344H variant (also known as c.4030G>C), located in coding exon 4 of the ALPK2 gene, results from a G to C substitution at nucleotide position 4030. The aspartic acid at codon 1344 is replaced by histidine, an amino acid with similar properties. This amino acid position is conserved. In addition, this alteration is predicted to be tolerated by in silico analysis. Since supporting evidence is limited at this time, the clinical significance of this alteration remains unclear.